The following is an entry in ClinVar:

NM_001042492.3(NF1):c.3350G>T (p.Cys1117Phe)

Gene: NF1 (neurofibromin 1; plus strand). Cytogenetic location: 17q11.2.
Variant type: single nucleotide variant.
Coding change: c.3350G>T on transcript NM_001042492.3 (MANE Select); coding-DNA position 3350, G replaced by T.
Protein change: p.Cys1117Phe; replaces cysteine 1117 with phenylalanine.
Molecular consequence: missense variant.
Genome position (GRCh38, 1-based): chr17:31,232,735, G>T. VCF-style: chr17-31232735-G-T. GRCh37 (hg19) VCF-style: chr17-29559753-G-T.
Other names: c.3350G>T, p.Cys1117Phe (NM_000267.4); short protein forms C1117F.
Identifiers: ClinVar variation 1718114 (VCV001718114.5), dbSNP rs876660762, ClinGen allele CA398989045.

ClinVar aggregate classification (germline): Uncertain significance. Review status: criteria provided, multiple submitters, no conflicts (2 of 4 stars). 2 submissions from 2 submitters: Uncertain significance (2). Last evaluated 2025-12-03.

Conditions:
Neurofibromatosis, type 1 (NF1). Also called: Peripheral type neurofibromatosis; VON RECKLINGHAUSEN DISEASE; NEUROFIBROMATOSIS, TYPE I, SOMATIC; Neurofibromatosis, type I. Identifiers: Orphanet 636, MedGen C0027831, MONDO:0018975, OMIM 162200. Disease mechanism: loss of function.
Cardiovascular phenotype. Identifiers: MedGen CN230736.
Hereditary cancer-predisposing syndrome. Also called: Hereditary neoplastic syndrome; Tumor predisposition; Neoplastic Syndromes, Hereditary; Hereditary Cancer Syndrome. Identifiers: Orphanet 140162, MedGen C0027672, MeSH D009386, MONDO:0015356.

Submissions (2):

Ambry Genetics
Classification: Uncertain significance for Cardiovascular phenotype; Hereditary cancer-predisposing syndrome. Last evaluated: 2025-12-03. Review status: criteria provided, single submitter. Criteria: Ambry Variant Classification Scheme 2023. Collection method: clinical testing. Allele origin: germline.
Comment: The p.C1117F variant (also known as c.3350G>T), located in coding exon 26 of the NF1 gene, results from a G to T substitution at nucleotide position 3350. The cysteine at codon 1117 is replaced by phenylalanine, an amino acid with highly dissimilar properties. This amino acid position is highly conserved in available vertebrate species. In addition, the in silico prediction for this alteration is inconclusive. Based on the available evidence, the clinical significance of this variant remains unclear.

Labcorp Genetics (formerly Invitae), Labcorp
Classification: Uncertain significance for Neurofibromatosis, type 1. Last evaluated: 2024-11-18. Review status: criteria provided, single submitter. Criteria: Invitae Variant Classification Sherloc (09022015). Collection method: clinical testing. Allele origin: germline.
Comment: This sequence change replaces cysteine, which is neutral and slightly polar, with phenylalanine, which is neutral and non-polar, at codon 1117 of the NF1 protein (p.Cys1117Phe). This variant is not present in population databases (gnomAD no frequency). This variant has not been reported in the literature in individuals affected with NF1-related conditions. ClinVar contains an entry for this variant (Variation ID: 1718114). Invitae Evidence Modeling of protein sequence and biophysical properties (such as structural, functional, and spatial information, amino acid conservation, physicochemical variation, residue mobility, and thermodynamic stability) indicates that this missense variant is expected to disrupt NF1 protein function with a positive predictive value of 95%. In summary, the available evidence is currently insufficient to determine the role of this variant in disease. Therefore, it has been classified as a Variant of Uncertain Significance.